The following is an entry in ClinVar:

NM_001267550.2(TTN):c.6497T>G (p.Leu2166Ter)

Gene: TTN (titin; minus strand). Cytogenetic location: 2q31.2.
Variant type: single nucleotide variant.
Coding change: c.6497T>G on transcript NM_001267550.2 (MANE Select); coding-DNA position 6497, T replaced by G.
Protein change: p.Leu2166Ter; replaces leucine 2166 with a stop codon.
Molecular consequence: nonsense.
Genome position (GRCh38, 1-based): chr2:178,775,367, A>C on the plus strand (T>G on the coding strand, the complement: TTN is on the minus strand). VCF-style: chr2-178775367-A-C. GRCh37 (hg19) VCF-style: chr2-179640094-A-C.
Other names: c.6497T>G, p.Leu2166Ter (NM_001256850.1, NM_133378.4, NM_133379.5); c.6359T>G, p.Leu2120Ter (NM_003319.4, NM_133432.3, NM_133437.4); short protein forms L2120*, L2166*.
Identifiers: ClinVar variation 2945015 (VCV002945015.4), dbSNP rs2532811159, ClinGen allele CA349682702.

ClinVar aggregate classification (germline): Likely pathogenic. Review status: criteria provided, multiple submitters, no conflicts (2 of 4 stars). 2 submissions from 2 submitters: Likely pathogenic (2). Last evaluated 2025-06-27.

Conditions:
Autosomal recessive limb-girdle muscular dystrophy type 2J (LGMDR10). Also called: Limb-girdle muscular dystrophy, type 2J; MUSCULAR DYSTROPHY, LIMB-GIRDLE, AUTOSOMAL RECESSIVE 10. Identifiers: Orphanet 140922, MedGen C1837342, MONDO:0012127, OMIM 608807.
Dilated cardiomyopathy 1G (CMD1G). Identifiers: Orphanet 154, MedGen C1858763, MONDO:0011400, OMIM 604145.
TTN-related disorder. Also called: TTN-related condition; TTN-related disease; TTN-related disorders.

Submissions (2):

PreventionGenetics, part of Exact Sciences
Classification: Likely pathogenic for TTN-related condition. Last evaluated: 2025-06-27. Review status: criteria provided, single submitter. Criteria: ACMG Guidelines, 2015. Collection method: clinical testing. Allele origin: germline.
Comment: The TTN c.6497T>G variant is predicted to result in premature protein termination (p.Leu2166*). This variant is located in the TTN protein I-band region. RNAseq studies from heart tissue indicate this exon is commonly included in TTN mRNA transcripts (PSI of 95%-100%, Roberts et al. 2015. PubMed ID: 25589632). TTN loss-of-function variants occurring in constitutively expressed exons (PSI > 90%) are more likely to be disease causing for TTN cardiac-related disorders regardless of band location (Roberts et al. 2015. PubMed ID: 25589632; Schafer et al. 2017 PubMed ID: 27869827; Akhtar et al. 2020. PubMed ID: 32964742). Many cases of recessive TTN-related myopathies in which the individual is compound heterozygous for two loss-of-function variants in TTN have also been reported (Ge et al. 2019. PubMed ID: 31053406; Oates et al. 2018. PubMed ID: 29691892; Rees et al. 2021. PubMed ID: 33449170). In summary, this variant is categorized as likely pathogenic. Of note, this variant is considered likely pathogenic for increased risk of TTN-related cardiac disorders, and also for autosomal recessive TTN-related congenital titinopathies.

Labcorp Genetics (formerly Invitae), Labcorp
Classification: Likely pathogenic for Dilated cardiomyopathy 1G; Autosomal recessive limb-girdle muscular dystrophy type 2J. Last evaluated: 2024-10-18. Review status: criteria provided, single submitter. Criteria: Invitae Variant Classification Sherloc (09022015). Collection method: clinical testing. Allele origin: germline.
Comment: This sequence change creates a premature translational stop signal (p.Leu2166*) in the TTN gene. While this is not anticipated to result in nonsense mediated decay, it is expected to create a truncated TTN protein. This variant is not present in population databases (gnomAD no frequency). This variant has not been observed in the literature in individuals with autosomal recessive TTN-related conditions. This variant has been reported in individual(s) with autosomal dominant dilated cardiomyopathy (internal data); however, the role of the variant in this condition is currently unclear. This variant is located in the Z band of TTN (PMID: 25589632). Truncating variants in this region have been reported in individuals affected with autosomal recessive centronuclear myopathy (PMID: 33449170, internal data). Truncating variants in this region have also been identified in individuals affected with autosomal dominant dilated cardiomyopathy and/or cardio-related conditions (PMID: 27869827, 32964742, internal data). In summary, the currently available evidence indicates that the variant is pathogenic, but additional data are needed to prove that conclusively. Therefore, this variant has been classified as Likely Pathogenic.

Literature cited by the submitters: PubMed 25589632 (cited by Labcorp Genetics (formerly Invitae), Labcorp); PubMed 33449170 (cited by Labcorp Genetics (formerly Invitae), Labcorp); PubMed 27869827 (cited by Labcorp Genetics (formerly Invitae), Labcorp); PubMed 32964742 (cited by Labcorp Genetics (formerly Invitae), Labcorp).